The following is an entry in ClinVar:

ClinVar aggregate classification (germline): Uncertain significance (1 of 4 stars; one submission).

Conditions:
JARID2-associated Neurodevelopmental disorder.

Submission:

New York Genome Center
Classification: Uncertain significance for JARID2-associated Neurodevelopmental disorder. Last evaluated: 2021-02-05. Review status: criteria provided, single submitter. Criteria: NYGC Assertion Criteria 2020. Collection method: clinical testing. Allele origin: germline. Observed: 1 heterozygote. Study: CSER-NYCKidSeq.
Comment: The c.2941A>C (p.Ser981Arg) variant identified in the JARID2 gene substitutes a moderately conserved Serine for Arginine at amino acid 981/1247 (exon 13/18). This variant is absent from gnomAD(v3.1), suggesting it is not a common benign variant in the populations represented in that database. In silico algorithms predict this variant to be Tolerated (SIFT; score: 0.341) and Benign (REVEL; score: 0.36) to the function of the canonical transcript. This variant is absent from ClinVar and to our current knowledge has not been reported in affected individuals in the literature. The p.Ser981 residue is within the Jumanji C domain of JARID2 (UniProtKB:Q92833). Given the lack of compelling evidence for its pathogenicity, the c.2941A>C (p.Ser981Arg) variant identified in the JARID2 gene is reported as a Variant of Uncertain Significance.

NM_004973.4(JARID2):c.2941A>C (p.Ser981Arg)

Gene: JARID2 (jumonji and AT-rich interaction domain containing 2; plus strand). Cytogenetic location: 6p22.3.
Variant type: single nucleotide variant.
Coding change: c.2941A>C on transcript NM_004973.4 (MANE Select); coding-DNA position 2941, A replaced by C.
Protein change: p.Ser981Arg; replaces serine 981 with arginine.
Molecular consequence: missense variant.
Genome position (GRCh38, 1-based): chr6:15,511,390, A>C. VCF-style: chr6-15511390-A-C. GRCh37 (hg19) VCF-style: chr6-15511621-A-C.
Other names: c.2425A>C, p.Ser809Arg (NM_001267040.1); short protein forms S809R, S981R.
Identifiers: ClinVar variation 1341852 (VCV001341852.1), dbSNP rs1771271618, ClinGen allele CA362802023.
Genomic context (GRCh38, chr6:15,511,390, plus strand): 5'-GAAGATGTGGTCCACACCCTGCTGCAAGCCAATGGCACCCCAGGGCTGCAGATGCTGGAA[A>C]GCAACGTCATGGTGCGTCCACTCAGCCACCGCCTCCAGCAGGAGCTGTAGGACCTCCTAG-3'
Protein context (NP_004964.2, residues 971-991): NGTPGLQMLE[Ser981Arg]NVMISPEVLC